The following is an entry in ClinVar:

ClinVar aggregate classification (germline): Likely pathogenic (1 of 4 stars; one submission).

Conditions:
Ehlers-Danlos syndrome, classic type, 1 (EDSCL1). Also called: EHLERS-DANLOS SYNDROME, GRAVIS TYPE; EHLERS-DANLOS SYNDROME, SEVERE CLASSIC TYPE; Ehlers-Danlos syndrome, type 1; Ehlers-Danlos Syndrome, Classic Type, COL5A1-Related; EDS I. Identifiers: MedGen C0268335, MONDO:0019567, OMIM 130000.
Osteogenesis imperfecta type I (OI1). Also called: OI, TYPE I; OSTEOGENESIS IMPERFECTA TARDA; OSTEOGENESIS IMPERFECTA WITH BLUE SCLERAE; Osteogenesis imperfecta type 1; Lobstein's Disease; Lobstein disease. Identifiers: Orphanet 216796, Orphanet 666, MedGen C0023931, MONDO:0008146, OMIM 166200. Disease mechanism: loss of function.

Submission:

Labcorp Genetics (formerly Invitae), Labcorp
Classification: Likely pathogenic for Osteogenesis imperfecta type I; Ehlers-Danlos syndrome, classic type, 1. Last evaluated: 2025-12-23. Review status: criteria provided, single submitter. Criteria: Invitae Variant Classification Sherloc (09022015). Collection method: clinical testing. Allele origin: germline.
Comment: This sequence change replaces glycine, which is neutral and non-polar, with serine, which is neutral and polar, at codon 736 of the COL1A2 protein (p.Gly736Ser). This variant is not present in population databases (gnomAD no frequency). This variant has not been reported in the literature in individuals affected with COL1A2-related conditions. ClinVar contains an entry for this variant (Variation ID: 3757451). Invitae Evidence Modeling of protein sequence and biophysical properties (such as structural, functional, and spatial information, amino acid conservation, physicochemical variation, residue mobility, and thermodynamic stability) indicates that this missense variant is expected to disrupt COL1A2 protein function with a positive predictive value of 95%. This variant disrupts the triple helix domain of COL1A2. Glycine residues within the Gly-Xaa-Yaa repeats of the triple helix domain are required for the structure and stability of fibrillar collagens (PMID: 7695699, 8218237, 19344236). In COL1A2, variants affecting these glycine residues are significantly enriched in individuals with disease (PMID: 9016532, 17078022) compared to the general population (ExAC). This variant disrupts the p.Gly736 amino acid residue in COL1A2. Other variant(s) that disrupt this residue have been observed in individuals with COL1A2-related conditions (PMID: 1990009, 37270749; internal data), which suggests that this may be a clinically significant amino acid residue. In summary, the currently available evidence indicates that the variant is pathogenic, but additional data are needed to prove that conclusively. Therefore, this variant has been classified as Likely Pathogenic.

Literature cited by the submitters: PubMed 7695699; PubMed 8218237; PubMed 19344236; PubMed 9016532; PubMed 17078022; PubMed 1990009; PubMed 37270749.

NM_000089.4(COL1A2):c.2206G>A (p.Gly736Ser)

Gene: COL1A2 (collagen type I alpha 2 chain; plus strand). Cytogenetic location: 7q21.3.
Variant type: single nucleotide variant.
Coding change: c.2206G>A on transcript NM_000089.4 (MANE Select); coding-DNA position 2206, G replaced by A.
Protein change: p.Gly736Ser; replaces glycine 736 with serine.
Molecular consequence: missense variant.
Genome position (GRCh38, 1-based): chr7:94,420,559, G>A. VCF-style: chr7-94420559-G-A. GRCh37 (hg19) VCF-style: chr7-94049871-G-A.
Other names: short protein forms G736S.
Identifiers: ClinVar variation 3757451 (VCV003757451.2).
Genomic context (GRCh38, chr7:94,420,559, plus strand): 5'-GTGGGTCGGAATACCAGAGCTGTAACTGTTTATTTCCAACAGGGTGCTGCTGGTCAACCT[G>A]GTGCTAAAGGAGAAAGAGGAGCCAAAGGGCCTAAGGGTGAAAACGGTGTTGTTGGTCCCA-3'
Protein context (NP_000080.2, residues 726-746): AGPAGAAGQP[Gly736Ser]AKGERGAKGP